The following is an entry in ClinVar:

ClinVar aggregate classification (germline): Conflicting classifications of pathogenicity. Review status: criteria provided, conflicting classifications (1 of 4 stars). 3 submissions from 3 submitters: Uncertain significance (1); Likely benign (2). Last evaluated 2026-02-01.

Conditions:
Inborn genetic diseases. Identifiers: MedGen C0950123, MeSH D030342.
Skeletal overgrowth-craniofacial dysmorphism-hyperelastic skin-white matter lesions syndrome. Also called: SKELETAL OVERGROWTH WITH FACIAL DYSMORPHISM, HYPERELASTIC SKIN, WHITE MATTER LESIONS, AND NEUROLOGIC DETERIORATION; Kosaki overgrowth syndrome. Identifiers: Orphanet 477831, MedGen C4225270, MONDO:0014704, OMIM 616592.
Infantile myofibromatosis (IMF). Also called: Congenital generalized fibromatosis. Identifiers: Orphanet 2591, MedGen C0432284, MONDO:0016824.
Basal ganglia calcification, idiopathic, 4 (PFBC4). Also called: Familial Idiopathic Basal Ganglia Calcification 4; PRIMARY FAMILIAL BRAIN CALCIFICATION 4, AUTOSOMAL DOMINANT. Identifiers: Orphanet 1980, MedGen C3554321, MONDO:0014004, OMIM 615007.
Acroosteolysis-keloid-like lesions-premature aging syndrome. Also called: Progeroid syndrome, Penttinen type; Premature aging syndrome, Penttinen type; Prematurely aged appearance, delayed bone maturation, acro-osteolysis, and brachydactyly. Identifiers: Orphanet 363665, MedGen C1866182, MONDO:0011150, OMIM 601812.

Allele frequency attached by ClinVar (database versions not stated): ExAC 0.00003; TOPMed 0.00002; gnomAD exomes 0.00003; gnomAD 0.00001.
gnomAD v4.1: 39 of 1,613,350 alleles (0.0024%); highest among the groups gnomAD compares: Middle Eastern, 0.017%; no homozygotes.

Submissions (3):

CeGaT Center for Human Genetics Tuebingen
Classification: Likely benign. Last evaluated: 2026-02-01. Review status: criteria provided, single submitter. Criteria: CeGaT Center For Human Genetics Tuebingen Variant Classification Criteria Version 2. Collection method: clinical testing. Allele origin: germline. Affected: yes. Observed: 1 variant allele.
Comment: PDGFRB: BP4, BS2

Labcorp Genetics (formerly Invitae), Labcorp
Classification: Uncertain significance for Basal ganglia calcification, idiopathic, 4; Skeletal overgrowth-craniofacial dysmorphism-hyperelastic skin-white matter lesions syndrome; Infantile myofibromatosis; Acroosteolysis-keloid-like lesions-premature aging syndrome. Last evaluated: 2023-09-20. Review status: criteria provided, single submitter. Criteria: Invitae Variant Classification Sherloc (09022015). Collection method: clinical testing. Allele origin: germline.
Comment: ClinVar contains an entry for this variant (Variation ID: 2262363). This sequence change replaces valine, which is neutral and non-polar, with isoleucine, which is neutral and non-polar, at codon 761 of the PDGFRB protein (p.Val761Ile). This variant is present in population databases (rs747659448, gnomAD 0.005%). This variant has not been reported in the literature in individuals affected with PDGFRB-related conditions. Advanced modeling of protein sequence and biophysical properties (such as structural, functional, and spatial information, amino acid conservation, physicochemical variation, residue mobility, and thermodynamic stability) performed at Invitae indicates that this missense variant is not expected to disrupt PDGFRB protein function. In summary, the available evidence is currently insufficient to determine the role of this variant in disease. Therefore, it has been classified as a Variant of Uncertain Significance.

Ambry Genetics
Classification: Likely benign for Inborn genetic diseases. Last evaluated: 2022-01-12. Review status: criteria provided, single submitter. Criteria: Ambry Variant Classification Scheme 2023. Collection method: clinical testing. Allele origin: germline.

NM_002609.4(PDGFRB):c.2281G>A (p.Val761Ile)

Gene: PDGFRB (platelet derived growth factor receptor beta; minus strand). Cytogenetic location: 5q32.
Variant type: single nucleotide variant.
Coding change: c.2281G>A on transcript NM_002609.4 (MANE Select); coding-DNA position 2281, G replaced by A.
Protein change: p.Val761Ile; replaces valine 761 with isoleucine.
Molecular consequence: missense variant.
Genome position (GRCh38, 1-based): chr5:150,121,943, C>T on the plus strand (G>A on the coding strand, the complement: PDGFRB is on the minus strand). VCF-style: chr5-150121943-C-T. GRCh37 (hg19) VCF-style: chr5-149501506-C-T.
Other names: c.2089G>A, p.Val697Ile (NM_001355016.2); c.1798G>A, p.Val600Ile (NM_001355017.2); short protein forms V697I, V600I, V761I.
Identifiers: ClinVar variation 2262363 (VCV002262363.9), dbSNP rs747659448, ClinGen allele CA3507694.